The following is an entry in ClinVar:

NM_000478.6(ALPL):c.140A>T (p.Asn47Ile)

Gene: ALPL (alkaline phosphatase, biomineralization associated; plus strand). Cytogenetic location: 1p36.12.
Variant type: single nucleotide variant.
Coding change: c.140A>T on transcript NM_000478.6 (MANE Select); coding-DNA position 140, A replaced by T.
Protein change: p.Asn47Ile; replaces asparagine 47 with isoleucine.
Molecular consequence: missense variant. On other transcripts: 5 prime UTR variant (1).
Genome position (GRCh38, 1-based): chr1:21,560,704, A>T. VCF-style: chr1-21560704-A-T. GRCh37 (hg19) VCF-style: chr1-21887197-A-T.
Other names: c.-26A>T (NM_001127501.4); c.25A>T, p.Thr9Ser (NM_001177520.3); c.140A>T, p.Asn47Ile (NM_001369803.2, NM_001369804.2, NM_001369805.2); short protein forms N47I, T9S.
Identifiers: ClinVar variation 1334791 (VCV001334791.5), dbSNP rs2148151094, ClinGen allele CA338877610.

ClinVar aggregate classification (germline): Conflicting classifications of pathogenicity. Review status: criteria provided, conflicting classifications (1 of 4 stars). 3 submissions from 3 submitters: Likely pathogenic (2); Uncertain significance (1). Last evaluated 2025-08-29.

Conditions:
Hypophosphatasia. Also called: Phosphoethanol-aminuria. Identifiers: Orphanet 436, MedGen C0020630, MeSH D007014, MONDO:0018570.

Submissions (3):

Genomenon, Inc
Classification: Likely pathogenic for Hypophosphatasia. Last evaluated: 2025-08-29. Review status: criteria provided, single submitter. Criteria: Genomenon Sequence Variant Interpretation Standards. Collection method: curation. Allele origin: germline. Affected: yes.
Comment: ALPL c.140A>T is a missense variant that changes the amino acid at residue 47 from Asparagine to Isoleucine. This variant has been observed in at least one proband affected with hypophosphatasia (PMID:28663156). It is absent or not present at a significant frequency in gnomAD. The presence of pathogenic missense variant(s) at the same amino acid position indicates that this residue is likely important for protein function. In conclusion, we classify ALPL p.Asn47Ile (c.140A>T) as a likely pathogenic variant.

Women's Health and Genetics/Laboratory Corporation of America, LabCorp
Classification: Uncertain significance. Last evaluated: 2025-04-29. Review status: criteria provided, single submitter. Criteria: LabCorp Variant Classification Summary - May 2015. Collection method: clinical testing. Allele origin: germline.
Comment: Variant summary: ALPL c.140A>T (p.Asn47Ile) results in a non-conservative amino acid change in the encoded protein sequence. Four of five in-silico tools predict a damaging effect of the variant on protein function. The variant was absent in 251442 control chromosomes (gnomAD). c.140A>T has been observed in individuals affected with Hypophosphatasia (Saglam_2017). These data indicate that the variant may be associated with disease. To our knowledge, no experimental evidence demonstrating an impact on protein function has been reported in the literature. The following publication has been ascertained in the context of this evaluation (PMID: 28663156). ClinVar contains an entry for this variant (Variation ID: 1334791). Based on the evidence outlined above, the variant was classified as VUS-possibly pathogenic.

JKU Lab, Dept of Paediatrics, Johannes Kepler University
Classification: Likely pathogenic for Hypophosphatasia. Last evaluated: 2021-12-13. Review status: criteria provided, single submitter. Criteria: ACMG Guidelines, 2015. Collection method: clinical testing. Allele origin: germline. Affected: yes. Observed: 1 heterozygote, 1 homozygote.
Comment: This variant is absent from large population studies. Functional studies performed at the JKU Hoegler lab showed reduced ALPL activity. ACMG Criteria used for classification: PS3_mod, PM2_sup, PM3_sup, PP2_sup, PP3_sup, PP4_mod.

Literature cited by the submitters: PubMed 28663156 (cited by 3 submitters).